The following is an entry in ClinVar:

NM_001145664.2(RFX8):c.676C>T (p.Arg226Trp)

Gene: RFX8 (regulatory factor X8; minus strand). Cytogenetic location: 2q11.2.
Variant type: single nucleotide variant.
Coding change: c.676C>T on transcript NM_001145664.2 (MANE Select); coding-DNA position 676, C replaced by T.
Protein change: p.Arg226Trp; replaces arginine 226 with tryptophan.
Molecular consequence: missense variant.
Genome position (GRCh38, 1-based): chr2:101,412,957, G>A on the plus strand (C>T on the coding strand, the complement: RFX8 is on the minus strand). VCF-style: chr2-101412957-G-A. GRCh37 (hg19) VCF-style: chr2-102029419-G-A.
Other names: c.163C>T, p.Arg55Trp (NM_001367508.1, NM_001367509.1, NM_001367510.1); short protein forms R55W, R226W.
Identifiers: ClinVar variation 3153526 (VCV003153526.2), dbSNP rs779276390, ClinGen allele CA1806429.

ClinVar aggregate classification (germline): Uncertain significance (1 of 4 stars; one submission).

Allele frequency attached by ClinVar (database versions not stated): ExAC 0.00005; gnomAD exomes 0.00002.

Submission:

Ambry Genetics
Classification: Uncertain significance. Last evaluated: 2026-07-20. Review status: criteria provided, single submitter. Criteria: Ambry Variant Classification Scheme 2023. Collection method: clinical testing. Allele origin: germline.
Comment: The c.676C>T (p.R226W) alteration is located in exon 8 (coding exon 7) of the RFX8 gene. This alteration results from a C to T substitution at nucleotide position 676, causing the arginine (R) at amino acid position 226 to be replaced by a tryptophan (W). Based on data from gnomAD, the T allele has an overall frequency of 0.003% (4/157188) total alleles studied. The highest observed frequency was 0.004% (1/22762) of South Asian alleles. Based on insufficient or conflicting evidence, the clinical significance of this alteration remains unclear.